The following is an entry in ClinVar:

ClinVar aggregate classification (germline): Uncertain significance (1 of 4 stars; one submission).

Conditions:
Landau-Kleffner syndrome (FESD). Also called: EPILEPSY, FOCAL, WITH SPEECH DISORDER AND WITH OR WITHOUT MENTAL RETARDATION; APHASIA, ACQUIRED, WITH EPILEPSY. Identifiers: Orphanet 1945, Orphanet 725, Orphanet 98818, MedGen C0282512, MONDO:0009509, OMIM 245570.

Submission:

Labcorp Genetics (formerly Invitae), Labcorp
Classification: Uncertain significance for Landau-Kleffner syndrome. Last evaluated: 2022-03-19. Review status: criteria provided, single submitter. Criteria: Invitae Variant Classification Sherloc (09022015). Collection method: clinical testing. Allele origin: germline.
Comment: This variant has not been reported in the literature in individuals affected with GRIN2A-related conditions. Advanced modeling of protein sequence and biophysical properties (such as structural, functional, and spatial information, amino acid conservation, physicochemical variation, residue mobility, and thermodynamic stability) performed at Invitae indicates that this missense variant is expected to disrupt GRIN2A protein function. In summary, the available evidence is currently insufficient to determine the role of this variant in disease. Therefore, it has been classified as a Variant of Uncertain Significance. This variant is not present in population databases (gnomAD no frequency). This sequence change replaces asparagine, which is neutral and polar, with serine, which is neutral and polar, at codon 697 of the GRIN2A protein (p.Asn697Ser).

NM_001134407.3(GRIN2A):c.2090A>G (p.Asn697Ser)

Gene: GRIN2A (glutamate ionotropic receptor NMDA type subunit 2A; minus strand). Cytogenetic location: 16p13.2.
Variant type: single nucleotide variant.
Coding change: c.2090A>G on transcript NM_001134407.3 (MANE Select); coding-DNA position 2090, A replaced by G.
Protein change: p.Asn697Ser; replaces asparagine 697 with serine.
Molecular consequence: missense variant.
Genome position (GRCh38, 1-based): chr16:9,822,342, T>C on the plus strand (A>G on the coding strand, the complement: GRIN2A is on the minus strand). VCF-style: chr16-9822342-T-C. GRCh37 (hg19) VCF-style: chr16-9916199-T-C.
Other names: c.2090A>G, p.Asn697Ser (NM_000833.5, NM_001134408.2); short protein forms N697S.
Identifiers: ClinVar variation 2114307 (VCV002114307.4), dbSNP rs2506094540, ClinGen allele CA394797829.